The following is an entry in ClinVar:

NM_022173.4(TIA1):c.313C>T (p.His105Tyr)

Gene: TIA1 (TIA1 cytotoxic granule associated RNA binding protein; minus strand). Cytogenetic location: 2p13.3.
Variant type: single nucleotide variant.
Coding change: c.313C>T on transcript NM_022173.4 (MANE Select); coding-DNA position 313, C replaced by T.
Protein change: p.His105Tyr; replaces histidine 105 with tyrosine.
Molecular consequence: missense variant. On other transcripts: 5 prime UTR variant (3), synonymous variant (1), non-coding transcript variant (17).
Genome position (GRCh38, 1-based): chr2:70,227,820, G>A on the plus strand (C>T on the coding strand, the complement: TIA1 is on the minus strand). VCF-style: chr2-70227820-G-A. GRCh37 (hg19) VCF-style: chr2-70454952-G-A.
Other names: c.313C>T, p.His105Tyr (NM_001351508.2, NM_001351516.2, NM_001351518.2 and 2 more transcripts); c.286C>T, p.His96Tyr (NM_001351509.2); c.280C>T, p.His94Tyr (NM_001351510.2, NM_001351521.2, NM_022037.4); c.202C>T, p.His68Tyr (NM_001351511.1); c.175C>T, p.His59Tyr (NM_001351512.1); c.169C>T, p.His57Tyr (NM_001351513.1); c.85C>T, p.His29Tyr (NM_001351514.2, NM_001351523.2); c.10C>T, p.His4Tyr (NM_001351515.2); and 4 more; short protein forms H105Y, H29Y, H4Y, H57Y, H59Y, H68Y, H94Y, H96Y.
Identifiers: ClinVar variation 2437083 (VCV002437083.6), dbSNP rs775798661, ClinGen allele CA347156437.

ClinVar aggregate classification (germline): Uncertain significance. Review status: criteria provided, multiple submitters, no conflicts (2 of 4 stars). 2 submissions from 2 submitters: Uncertain significance (2). Last evaluated 2023-04-05.

Conditions:
Welander distal myopathy (WDM). Also called: Gower's muscular dystrophy; MUSCULAR DYSTROPHY, DISTAL, LATE-ONSET, AUTOSOMAL DOMINANT; Welander distal myopathy, Swedish type; Distal myopathy, Swedish type. Identifiers: Orphanet 603, MedGen C0221054, MONDO:0011466, OMIM 604454.

Allele frequency attached by ClinVar (database versions not stated): gnomAD 0.00001.
gnomAD v4.1: 13 of 1,595,846 alleles (0.00081%); highest among the groups gnomAD compares: East Asian, 0.0022%; no homozygotes.

Submissions (2):

Labcorp Genetics (formerly Invitae), Labcorp
Classification: Uncertain significance for Welander distal myopathy. Last evaluated: 2023-04-05. Review status: criteria provided, single submitter. Criteria: Invitae Variant Classification Sherloc (09022015). Collection method: clinical testing. Allele origin: germline.
Comment: This sequence change replaces histidine, which is basic and polar, with tyrosine, which is neutral and polar, at codon 105 of the TIA1 protein (p.His105Tyr). This variant is not present in population databases (gnomAD no frequency). This variant has not been reported in the literature in individuals affected with TIA1-related conditions. ClinVar contains an entry for this variant (Variation ID: 2437083). An algorithm developed to predict the effect of missense changes on protein structure and function (PolyPhen-2) suggests that this variant is likely to be disruptive. In summary, the available evidence is currently insufficient to determine the role of this variant in disease. Therefore, it has been classified as a Variant of Uncertain Significance.

Revvity Omics, Revvity
Classification: Uncertain significance. Last evaluated: 2019-04-10. Review status: criteria provided, single submitter. Criteria: ACMG Guidelines, 2015. Collection method: clinical testing. Allele origin: germline.